The following is an entry in ClinVar:

ClinVar aggregate classification (germline): Likely benign. Review status: criteria provided, multiple submitters, no conflicts (2 of 4 stars). 2 submissions from 2 submitters: Likely benign (2). Last evaluated 2026-03-01.

Allele frequency attached by ClinVar (database versions not stated): gnomAD exomes below 0.00001; TOPMed 0.00002; gnomAD 0.00003.
gnomAD v4.1: 5 of 1,613,982 alleles (0.00031%); highest among the groups gnomAD compares: African/African-American, 0.0053%; no homozygotes.

Submissions (2):

CeGaT Center for Human Genetics Tuebingen
Classification: Likely benign. Last evaluated: 2026-03-01. Review status: criteria provided, single submitter. Criteria: CeGaT Center For Human Genetics Tuebingen Variant Classification Criteria Version 2. Collection method: clinical testing. Allele origin: germline. Affected: yes. Observed: 1 variant allele.
Comment: RAD54L: BP4, BP7

Ambry Genetics
Classification: Likely benign. Last evaluated: 2022-05-09. Review status: criteria provided, single submitter. Criteria: Ambry Variant Classification Scheme 2023. Collection method: clinical testing. Allele origin: germline.

NM_003579.4(RAD54L):c.1950G>A (p.Gln650=)

Genes: LRRC41 (leucine rich repeat containing 41; minus strand), RAD54L (RAD54 like; plus strand). Cytogenetic location: 1p34.1.
Variant type: single nucleotide variant.
Coding change: c.1950G>A on transcript NM_003579.4 (MANE Select); coding-DNA position 1950, G replaced by A.
Protein change: p.Gln650=; no amino-acid change (glutamine 650 retained).
Molecular consequence: synonymous variant. On other transcripts: 3 prime UTR variant (1).
Genome position (GRCh38, 1-based): chr1:46,277,897, G>A. VCF-style: chr1-46277897-G-A. GRCh37 (hg19) VCF-style: chr1-46743569-G-A.
Other names: c.*968C>T (NM_006369.5); c.1950G>A, p.Gln650= (NM_001142548.2); c.1410G>A, p.Gln470= (NM_001370766.1).
Identifiers: ClinVar variation 1783225 (VCV001783225.6), dbSNP rs933708903, ClinGen allele CA21899970.